The following is an entry in ClinVar:

NM_006306.4(SMC1A):c.2563-3C>T

Gene: SMC1A (structural maintenance of chromosomes 1A; minus strand). Cytogenetic location: Xp11.22.
Variant type: single nucleotide variant.
Coding change: c.2563-3C>T on transcript NM_006306.4 (MANE Select); 3 bases into the intron before coding-DNA position 2563, C replaced by T.
Molecular consequence: intron variant.
Genome position (GRCh38, 1-based): chrX:53,396,620, G>A on the plus strand (C>T on the coding strand, the complement: SMC1A is on the minus strand). VCF-style: chrX-53396620-G-A. GRCh37 (hg19) VCF-style: chrX-53423540-G-A.
Other names: c.2497-3C>T (NM_001281463.1).
Identifiers: ClinVar variation 2970730 (VCV002970730.3), dbSNP rs372708074, ClinGen allele CA10420416.

ClinVar aggregate classification (germline): Uncertain significance. Review status: criteria provided, multiple submitters, no conflicts (2 of 4 stars). 2 submissions from 2 submitters: Uncertain significance (2). Last evaluated 2026-01-09.

Conditions:
Congenital muscular hypertrophy-cerebral syndrome (CDLS2). Also called: SMC1A-Related Cornelia de Lange Syndrome; Cornelia de Lange syndrome 2. Identifiers: Orphanet 199, MedGen C1802395, MONDO:0010370, OMIM 300590.

Allele frequency attached by ClinVar (database versions not stated): ExAC 0.00001; gnomAD exomes 0.00002; TOPMed 0.00002; gnomAD 0.00004; ESP Exome Variant Server 0.00009.
gnomAD v4.1: 27 of 1,204,308 alleles (0.0022%); highest among the groups gnomAD compares: Non-Finnish European, 0.0029%; no homozygotes.

Submissions (2):

Labcorp Genetics (formerly Invitae), Labcorp
Classification: Uncertain significance for Congenital muscular hypertrophy-cerebral syndrome. Last evaluated: 2026-01-09. Review status: criteria provided, single submitter. Criteria: Invitae Variant Classification Sherloc (09022015). Collection method: clinical testing. Allele origin: germline.
Comment: This sequence change falls in intron 16 of the SMC1A gene. It does not directly change the encoded amino acid sequence of the SMC1A protein. It affects a nucleotide within the consensus splice site. The frequency data for this variant in the population databases is considered unreliable, as metrics indicate poor data quality at this position in the gnomAD database. This variant has not been reported in the literature in individuals affected with SMC1A-related conditions. ClinVar contains an entry for this variant (Variation ID: 2970730). Variants that disrupt the consensus splice site are a relatively common cause of aberrant splicing (PMID: 17576681, 9536098). Algorithms developed to predict the effect of sequence changes on RNA splicing suggest that this variant is not likely to affect RNA splicing. In summary, the available evidence is currently insufficient to determine the role of this variant in disease. Therefore, it has been classified as a Variant of Uncertain Significance.

Women's Health and Genetics/Laboratory Corporation of America, LabCorp
Classification: Uncertain significance. Last evaluated: 2024-10-07. Review status: criteria provided, single submitter. Criteria: LabCorp Variant Classification Summary - May 2015. Collection method: clinical testing. Allele origin: germline.
Comment: Variant summary: SMC1A c.2563-3C>T alters a non-conserved nucleotide located close to a canonical splice site and therefore could affect mRNA splicing, leading to a significantly altered protein sequence. Consensus agreement among computation tools predict no significant impact on normal splicing. However, these predictions have yet to be confirmed by functional studies. The variant allele was found at a frequency of 5.6e-06 in 180005 control chromosomes. The available data on variant occurrences in the general population are insufficient to allow any conclusion about variant significance. To our knowledge, no occurrence of c.2563-3C>T in individuals affected with Congenital Muscular Hypertrophy-Cerebral Syndrome and no experimental evidence demonstrating its impact on protein function have been reported. ClinVar contains an entry for this variant (Variation ID: 2970730). Based on the evidence outlined above, the variant was classified as uncertain significance.

Literature cited by the submitters: PubMed 17576681 (cited by Labcorp Genetics (formerly Invitae), Labcorp); PubMed 9536098 (cited by Labcorp Genetics (formerly Invitae), Labcorp); PubMed 27288520 (cited by Women's Health and Genetics/Laboratory Corporation of America, LabCorp); PubMed 20514443 (cited by Women's Health and Genetics/Laboratory Corporation of America, LabCorp); PubMed 29860495 (cited by Women's Health and Genetics/Laboratory Corporation of America, LabCorp); PubMed 24220272 (cited by Women's Health and Genetics/Laboratory Corporation of America, LabCorp); PubMed 24487413 (cited by Women's Health and Genetics/Laboratory Corporation of America, LabCorp); PubMed 24904756 (cited by Women's Health and Genetics/Laboratory Corporation of America, LabCorp); PubMed 24335498 (cited by Women's Health and Genetics/Laboratory Corporation of America, LabCorp); PubMed 25006131 (cited by Women's Health and Genetics/Laboratory Corporation of America, LabCorp); PubMed 31896782 (cited by Women's Health and Genetics/Laboratory Corporation of America, LabCorp).